The following is an entry in ClinVar:

ClinVar aggregate classification (germline): Pathogenic (1 of 4 stars; one submission).

Conditions:
Neurofibromatosis, type 1 (NF1). Also called: Neurofibromatosis, type I; NEUROFIBROMATOSIS, TYPE I, SOMATIC; Peripheral type neurofibromatosis; VON RECKLINGHAUSEN DISEASE. Identifiers: Orphanet 636, MedGen C0027831, MONDO:0018975, OMIM 162200. Disease mechanism: loss of function.

Submission:

Labcorp Genetics (formerly Invitae), Labcorp
Classification: Pathogenic for Neurofibromatosis, type 1. Last evaluated: 2023-06-23. Review status: criteria provided, single submitter. Criteria: Invitae Variant Classification Sherloc (09022015). Collection method: clinical testing. Allele origin: germline.
Comment: For these reasons, this variant has been classified as Pathogenic. This premature translational stop signal has been observed in individual(s) with neurofibromatosis type 1 (PMID: 10712197). This variant is not present in population databases (gnomAD no frequency). This sequence change creates a premature translational stop signal (p.Pro2675Hisfs*43) in the NF1 gene. It is expected to result in an absent or disrupted protein product. Loss-of-function variants in NF1 are known to be pathogenic (PMID: 10712197, 23913538).

Literature cited by the submitters: PubMed 10712197; PubMed 23913538.

NM_001042492.3(NF1):c.8085del (p.Pro2696fs)

Gene: NF1 (neurofibromin 1; plus strand). Cytogenetic location: 17q11.2.
Variant type: Deletion.
Coding change: c.8085del on transcript NM_001042492.3 (MANE Select); coding-DNA position 8085, one base deleted (A; older notation c.8085delA).
Protein change: p.Pro2696fs; shifts the reading frame from proline 2696.
Molecular consequence: frameshift variant.
Genome position (GRCh38, 1-based): chr17:31,358,594, A deleted. VCF-style (leftmost placement, unchanged base first): chr17-31358593-CA-C. GRCh37 (hg19) VCF-style: chr17-29685611-CA-C.
Other names: c.8022delA, p.Pro2675Hisfs (NM_000267.4); short protein forms P2696fs, P2675fs.
Identifiers: ClinVar variation 2725012 (VCV002725012.3), dbSNP rs2508835538, ClinGen allele CA2697559614.